The following is an entry in ClinVar:

ClinVar aggregate classification (germline): Benign/Likely benign. Review status: criteria provided, multiple submitters, no conflicts (2 of 4 stars). 3 submissions from 3 submitters: Benign (1); Likely benign (2). Last evaluated 2026-05-21.

Conditions:
Hereditary cancer-predisposing syndrome. Also called: Hereditary neoplastic syndrome; Neoplastic Syndromes, Hereditary; Hereditary Cancer Syndrome; Tumor predisposition. Identifiers: Orphanet 140162, MedGen C0027672, MeSH D009386, MONDO:0015356.
Cardiovascular phenotype. Identifiers: MedGen CN230736.
Neurofibromatosis, type 1 (NF1). Also called: Peripheral type neurofibromatosis; Neurofibromatosis, type I; VON RECKLINGHAUSEN DISEASE; NEUROFIBROMATOSIS, TYPE I, SOMATIC. Identifiers: Orphanet 636, MedGen C0027831, MONDO:0018975, OMIM 162200. Disease mechanism: loss of function.

Allele frequency attached by ClinVar (database versions not stated): gnomAD exomes below 0.00001.
gnomAD v4.1: 3 of 1,614,008 alleles (0.00019%); highest among the groups gnomAD compares: Admixed American, 0.0017%; no homozygotes.

Submissions (3):

Myriad Genetics, Inc.
Classification: Benign for Neurofibromatosis, type 1. Last evaluated: 2026-05-21. Review status: criteria provided, single submitter. Criteria: Myriad Autosomal Dominant, Autosomal Recessive and X-Linked Classification Criteria (2023). Collection method: clinical testing. Allele origin: unknown.
Comment: This variant is considered benign. This variant is a silent/synonymous amino acid change and it is not expected to impact splicing.

Labcorp Genetics (formerly Invitae), Labcorp
Classification: Likely benign for Neurofibromatosis, type 1. Last evaluated: 2024-11-03. Review status: criteria provided, single submitter. Criteria: Invitae Variant Classification Sherloc (09022015). Collection method: clinical testing. Allele origin: germline.

Ambry Genetics
Classification: Likely benign for Cardiovascular phenotype; Hereditary cancer-predisposing syndrome. Last evaluated: 2016-06-09. Review status: criteria provided, single submitter. Criteria: Ambry Variant Classification Scheme 2023. Collection method: clinical testing. Allele origin: germline.

NM_001042492.3(NF1):c.7059C>T (p.Asp2353=)

Gene: NF1 (neurofibromin 1; plus strand). Cytogenetic location: 17q11.2.
Variant type: single nucleotide variant.
Coding change: c.7059C>T on transcript NM_001042492.3 (MANE Select); coding-DNA position 7059, C replaced by T.
Protein change: p.Asp2353=; no amino-acid change (aspartic acid 2353 retained).
Molecular consequence: synonymous variant.
Genome position (GRCh38, 1-based): chr17:31,340,642, C>T. VCF-style: chr17-31340642-C-T. GRCh37 (hg19) VCF-style: chr17-29667660-C-T.
Other names: c.6996C>T, p.Asp2332= (NM_000267.4).
Identifiers: ClinVar variation 480131 (VCV000480131.11), dbSNP rs1555535200, ClinGen allele CA499235516.